The following is an entry in ClinVar:

NM_005378.6(MYCN):c.1156del (p.His386fs)

Gene: MYCN (MYCN proto-oncogene, bHLH transcription factor; plus strand). Cytogenetic location: 2p24.3.
Variant type: Deletion.
Coding change: c.1156del on transcript NM_005378.6 (MANE Select); coding-DNA position 1156, one base deleted (C; older notation c.1156delC).
Protein change: p.His386fs; shifts the reading frame from histidine 386.
Molecular consequence: frameshift variant. On other transcripts: 3 prime UTR variant (1).
Genome position (GRCh38, 1-based): chr2:15,945,858, C deleted; the last of 2 consecutive C bases (chr2:15,945,857-15,945,858); deleting either gives the same sequence. VCF-style (leftmost placement, unchanged base first): chr2-15945856-AC-A. GRCh37 (hg19) VCF-style: chr2-16085978-AC-A.
Other names: c.1156del, p.His386fs (NM_001293228.2); c.523del, p.His175fs (NM_001293231.2); c.*1091del (NM_001293233.2); short protein forms H175fs, H386fs.
Identifiers: ClinVar variation 817155 (VCV000817155.1), dbSNP rs1572221505, ClinGen allele CA915943700.
Genomic context (GRCh38, chr2:15,945,856, plus strand): 5'-CAAAGGCTAAGAGCTTGAGCCCCCGAAACTCTGACTCGGAGGACAGTGAGCGTCGCAGAA[AC>A]CACAACATCCTGGAGCGCCAGCGCCGCAACGACCTTCGGTCCAGCTTTCTCACGCTCAGG-3'

ClinVar aggregate classification (germline): Likely pathogenic (1 of 4 stars; one submission).

Submission:

GeneDx
Classification: Likely pathogenic. Last evaluated: 2018-07-09. Review status: criteria provided, single submitter. Criteria: GeneDx Variant Classification (06012015). Collection method: clinical testing. Allele origin: germline. Affected: yes.
Comment: The c.1156delC variant in the MYCN gene has not been published as a pathogenic variant, nor has it been reported as a benign variant to our knowledge. The variant is not observed in large population cohorts (Lek et al., 2016). It causes a frameshift starting with codon Histidine 386, changes this amino acid to a Threonine residue and creates a premature Stop codon at position 27 of the new reading frame, denoted p.His386ThrfsX27. This pathogenic variant is predicted to cause loss of normal protein function through protein truncation. In summary, we consider this variant to be likely pathogenic.